The following is an entry in ClinVar:

ClinVar aggregate classification (germline): Uncertain significance. Review status: criteria provided, multiple submitters, no conflicts (2 of 4 stars). 2 submissions from 2 submitters: Uncertain significance (2). Last evaluated 2023-05-30.

Conditions:
Familial adenomatous polyposis 2. Also called: MYH-associated polyposis; FAP type 2; MUTYH-related attenuated familial adenomatous polyposis; Adenomas, multiple colorectal; ADENOMAS, MULTIPLE COLORECTAL, AUTOSOMAL RECESSIVE; MUTYH Polyposis. Identifiers: Orphanet 220460, Orphanet 247798, MedGen C3272841, MONDO:0012041, OMIM 608456.

Submissions (2):

All of Us Research Program, National Institutes of Health
Classification: Uncertain significance for Familial adenomatous polyposis 2. Last evaluated: 2023-05-30. Review status: criteria provided, single submitter. Criteria: ACMG Guidelines, 2015. Collection method: clinical testing. Allele origin: germline. Inheritance: Autosomal recessive inheritance. Observed: 1 variant allele, 1 heterozygote.
Comment: This variant causes a C to T nucleotide substitution at the +5 position of intron 5 of the MUTYH gene. To our knowledge, functional studies have not been reported for this variant. This variant has not been reported in individuals affected with MUTYH-related disorders in the literature. This variant has not been identified in the general population by the Genome Aggregation Database (gnomAD). The available evidence is insufficient to determine the role of this variant in disease conclusively. Therefore, this variant is classified as a Variant of Uncertain Significance.

This study involves interpretation of variants in research participants for the purpose of population health screening. Participant phenotype was not available at the time of variant classification. Additional details can be found in publication PMID: 35346344, PMCID: PMC8962531

Labcorp Genetics (formerly Invitae), Labcorp
Classification: Uncertain significance for Familial adenomatous polyposis 2. Last evaluated: 2022-10-24. Review status: criteria provided, single submitter. Criteria: Invitae Variant Classification Sherloc (09022015). Collection method: clinical testing. Allele origin: germline.
Comment: This sequence change falls in intron 5 of the MUTYH gene. It does not directly change the encoded amino acid sequence of the MUTYH protein. It affects a nucleotide within the consensus splice site. This variant is not present in population databases (gnomAD no frequency). This variant has not been reported in the literature in individuals affected with MUTYH-related conditions. ClinVar contains an entry for this variant (Variation ID: 859345). Variants that disrupt the consensus splice site are a relatively common cause of aberrant splicing (PMID: 17576681, 9536098). Algorithms developed to predict the effect of sequence changes on RNA splicing suggest that this variant is not likely to affect RNA splicing. In summary, the available evidence is currently insufficient to determine the role of this variant in disease. Therefore, it has been classified as a Variant of Uncertain Significance.

Literature cited by the submitters: PubMed 17576681 (cited by Labcorp Genetics (formerly Invitae), Labcorp); PubMed 9536098 (cited by Labcorp Genetics (formerly Invitae), Labcorp).

NM_001048174.2(MUTYH):c.378+5C>T

Gene: MUTYH (mutY DNA glycosylase; minus strand). Cytogenetic location: 1p34.1.
Variant type: single nucleotide variant.
Coding change: c.378+5C>T on transcript NM_001048174.2 (MANE Select); 5 bases into the intron after coding-DNA position 378, C replaced by T.
Molecular consequence: intron variant.
Genome position (GRCh38, 1-based): chr1:45,333,092, G>A on the plus strand (C>T on the coding strand, the complement: MUTYH is on the minus strand). VCF-style: chr1-45333092-G-A. GRCh37 (hg19) VCF-style: chr1-45798764-G-A.
Other names: c.34-133C>T (NM_001350651.2, NM_001350650.2); c.102+5C>T (NM_001293192.2, NM_001293196.2); c.378+5C>T (NM_001048171.2, NM_001048173.2, NM_001293195.2); c.423+5C>T (NM_001293190.2); c.453+5C>T (NM_012222.3); c.462+5C>T (NM_001128425.2); c.381+5C>T (NM_001048172.2); c.411+5C>T (NM_001293191.2).
Identifiers: ClinVar variation 859345 (VCV000859345.10), dbSNP rs1645258363, ClinGen allele CA916080231.